The following is an entry in ClinVar:

NM_015021.3(ZNF292):c.3260dup (p.Ser1088fs)

Gene: ZNF292 (zinc finger protein 292; plus strand). Cytogenetic location: 6q14.3.
Variant type: Duplication.
Coding change: c.3260dup on transcript NM_015021.3 (MANE Select); coding-DNA position 3260, one base duplicated (C; older notation c.3260dupC).
Protein change: p.Ser1088fs; shifts the reading frame from serine 1088.
Molecular consequence: frameshift variant.
Genome position (GRCh38, 1-based): chr6:87,256,889, C duplicated; the last of 2 consecutive C bases (chr6:87,256,888-87,256,889); duplicating either gives the same sequence. VCF-style (leftmost placement, unchanged base first): chr6-87256887-T-TC. GRCh37 (hg19) VCF-style: chr6-87966605-T-TC.
Other names: c.2840dup, p.Ser948fs (NM_001351444.2); short protein forms S1088fs, S948fs.
Identifiers: ClinVar variation 4890721 (VCV004890721.1).

ClinVar aggregate classification (germline): Pathogenic (1 of 4 stars; one submission).

Conditions:
Intellectual developmental disorder, autosomal dominant 64. Also called: MENTAL RETARDATION, AUTOSOMAL DOMINANT 64. Identifiers: MedGen C5543067, MONDO:0030934, OMIM 619188.

Submission:

Institute of Human Genetics, University of Leipzig Medical Center
Classification: Pathogenic for Intellectual developmental disorder, autosomal dominant 64. Last evaluated: 2026-07-15. Review status: criteria provided, single submitter. Criteria: ACMG Guidelines, 2015. Collection method: clinical testing. Allele origin: unknown. Inheritance: Autosomal dominant inheritance. Affected: yes.
Comment: Criteria applied: PVS1,PM2